The following is an entry in ClinVar:

NM_003922.4(HERC1):c.406A>G (p.Ser136Gly)

Gene: HERC1 (HECT and RLD domain containing E3 ubiquitin protein ligase family member 1; minus strand). Cytogenetic location: 15q22.31.
Variant type: single nucleotide variant.
Coding change: c.406A>G on transcript NM_003922.4 (MANE Select); coding-DNA position 406, A replaced by G.
Protein change: p.Ser136Gly; replaces serine 136 with glycine.
Molecular consequence: missense variant.
Genome position (GRCh38, 1-based): chr15:63,775,218, T>C on the plus strand (A>G on the coding strand, the complement: HERC1 is on the minus strand). VCF-style: chr15-63775218-T-C. GRCh37 (hg19) VCF-style: chr15-64067417-T-C.
Other names: short protein forms S136G.
Identifiers: ClinVar variation 3381439 (VCV003381439.2).

ClinVar aggregate classification (germline): Uncertain significance. Review status: criteria provided, multiple submitters, no conflicts (2 of 4 stars). 2 submissions from 2 submitters: Uncertain significance (2). Last evaluated 2025-09-10.

Conditions:
Inborn genetic diseases. Identifiers: MedGen C0950123, MeSH D030342.

gnomAD v4.1: 2 of 1,613,970 alleles (0.00012%); highest among the groups gnomAD compares: Admixed American, 0.0033%; no homozygotes.

Submissions (2):

Ambry Genetics
Classification: Uncertain significance for Inborn genetic diseases. Last evaluated: 2025-09-10. Review status: criteria provided, single submitter. Criteria: Ambry Variant Classification Scheme 2023. Collection method: clinical testing. Allele origin: germline.

GeneDx
Classification: Uncertain significance. Last evaluated: 2024-05-20. Review status: criteria provided, single submitter. Criteria: GeneDx Variant Classification Process June 2021. Collection method: clinical testing. Allele origin: germline. Affected: yes.
Comment: Not observed at significant frequency in large population cohorts (gnomAD); In silico analysis supports that this missense variant has a deleterious effect on protein structure/function; Has not been previously published as pathogenic or benign to our knowledge